The following is an entry in ClinVar:

NM_000384.3(APOB):c.12977T>A (p.Ile4326Asn)

Gene: APOB (apolipoprotein B; minus strand). Cytogenetic location: 2p24.1.
Variant type: single nucleotide variant.
Coding change: c.12977T>A on transcript NM_000384.3 (MANE Select); coding-DNA position 12977, T replaced by A.
Protein change: p.Ile4326Asn; replaces isoleucine 4326 with asparagine.
Molecular consequence: missense variant.
Genome position (GRCh38, 1-based): chr2:21,002,445, A>T on the plus strand (T>A on the coding strand, the complement: APOB is on the minus strand). VCF-style: chr2-21002445-A-T. GRCh37 (hg19) VCF-style: chr2-21225317-A-T.
Other names: short protein forms I4326N.
Identifiers: ClinVar variation 664736 (VCV000664736.16), dbSNP rs763668912, ClinGen allele CA051608.

ClinVar aggregate classification (germline): Conflicting classifications of pathogenicity. Review status: criteria provided, conflicting classifications (1 of 4 stars). 3 submissions from 3 submitters: Uncertain significance (2); Likely benign (1). Last evaluated 2025-06-01.

Conditions:
Cardiovascular phenotype. Identifiers: MedGen CN230736.
Familial hypobetalipoproteinemia 1. Also called: Hypobetalipoproteinemia, normotriglyceridemic; Acanthocytosis with hypobetalipoproteinemia; APOB-Related Familial Hypobetalipoproteinemia. Identifiers: MedGen C4551990, MONDO:0014252, OMIM 615558.
Hypercholesterolemia, autosomal dominant, type B (FHCL2). Also called: Familial Hypercholesterolemia Type B; APOLIPOPROTEIN B-100, FAMILIAL DEFECTIVE; APOLIPOPROTEIN B-100, FAMILIAL LIGAND-DEFECTIVE; HYPERCHOLESTEROLEMIA, FAMILIAL, DUE TO LIGAND-DEFECTIVE APOLIPOPROTEIN B; Familial hypercholesterolemia 2; APOB-Related Familial Hypercholesterolemia, Autosomal Dominant. Identifiers: MedGen C1704417, MONDO:0007751, OMIM 144010.

Allele frequency attached by ClinVar (database versions not stated): gnomAD 0.00001; TOPMed 0.00002.
gnomAD v4.1: 12 of 1,601,602 alleles (0.00075%); highest among the groups gnomAD compares: Admixed American, 0.02%; no homozygotes.

Submissions (3):

Labcorp Genetics (formerly Invitae), Labcorp
Classification: Likely benign for Familial hypobetalipoproteinemia 1; Hypercholesterolemia, autosomal dominant, type B. Last evaluated: 2025-06-01. Review status: criteria provided, single submitter. Criteria: Invitae Variant Classification Sherloc (09022015). Collection method: clinical testing. Allele origin: germline.

Ambry Genetics
Classification: Uncertain significance for Cardiovascular phenotype. Last evaluated: 2022-03-06. Review status: criteria provided, single submitter. Criteria: Ambry Variant Classification Scheme 2023. Collection method: clinical testing. Allele origin: germline.
Comment: The p.I4326N variant (also known as c.12977T>A), located in coding exon 29 of the APOB gene, results from a T to A substitution at nucleotide position 12977. The isoleucine at codon 4326 is replaced by asparagine, an amino acid with dissimilar properties. This amino acid position is conserved. In addition, this alteration is predicted to be tolerated by in silico analysis. Since supporting evidence is limited at this time, the clinical significance of this alteration remains unclear.

Fulgent Genetics
Classification: Uncertain significance for Hypercholesterolemia, autosomal dominant, type B; Familial hypobetalipoproteinemia 1. Last evaluated: 2021-08-02. Review status: criteria provided, single submitter. Criteria: ACMG Guidelines, 2015. Collection method: clinical testing. Allele origin: unknown.